The following is an entry in ClinVar:

NM_017721.5(CC2D1A):c.1134_1141del (p.Glu379fs)

Gene: CC2D1A (coiled-coil and C2 domain containing 1A; plus strand). Cytogenetic location: 19p13.12.
Variant type: Deletion.
Coding change: c.1134_1141del on transcript NM_017721.5 (MANE Select); coding-DNA positions 1134 to 1141, 8 bases deleted (CGAGCGCA; older notation c.1134_1141delCGAGCGCA).
Protein change: p.Glu379fs; shifts the reading frame from glutamic acid 379.
Molecular consequence: frameshift variant.
Genome position (GRCh38, 1-based): chr19:13,919,027-13,919,034, CGAGCGCA deleted; deleting any 8 consecutive bases within chr19:13,919,024-13,919,034 gives the same sequence; the c. name uses the placement nearest the transcript's 3' end. VCF-style (leftmost placement, unchanged base first): chr19-13919023-TGCACGAGC-T. GRCh37 (hg19) VCF-style: chr19-14029836-TGCACGAGC-T.
Other names: c.1134_1141del, p.Glu379fs (NM_001411138.1); short protein forms E379fs.
Identifiers: ClinVar variation 4891135 (VCV004891135.1).

ClinVar aggregate classification (germline): Likely pathogenic (1 of 4 stars; one submission).

Conditions:
Intellectual developmental disorder, autosomal recessive 3. Also called: Intellectual disability, autosomal recessive 3. Identifiers: Orphanet 88616, MedGen C1838023, MONDO:0012037, OMIM 608443.

Submission:

Greenwood Genetic Center Diagnostic Laboratories, Greenwood Genetic Center
Classification: Likely pathogenic for Intellectual developmental disorder, autosomal recessive 3. Last evaluated: 2026-04-02. Review status: criteria provided, single submitter. Criteria: ACMG Guidelines, 2015. Collection method: clinical testing. Allele origin: germline. Affected: yes.
Comment: PVS1, PM2